The following is an entry in ClinVar:

NM_000536.4(RAG2):c.653T>A (p.Ile218Asn)

Gene: RAG2 (recombination activating 2; minus strand). Cytogenetic location: 11p12.
Variant type: single nucleotide variant.
Coding change: c.653T>A on transcript NM_000536.4 (MANE Select); coding-DNA position 653, T replaced by A.
Protein change: p.Ile218Asn; replaces isoleucine 218 with asparagine.
Molecular consequence: missense variant.
Genome position (GRCh38, 1-based): chr11:36,593,516, A>T on the plus strand (T>A on the coding strand, the complement: RAG2 is on the minus strand). VCF-style: chr11-36593516-A-T. GRCh37 (hg19) VCF-style: chr11-36615066-A-T.
Other names: c.653T>A, p.Ile218Asn (NM_001243785.2, NM_001243786.2); short protein forms I218N.
Identifiers: ClinVar variation 2011194 (VCV002011194.5), dbSNP rs2494794434, ClinGen allele CA380142392.

ClinVar aggregate classification (germline): Likely pathogenic. Review status: criteria provided, multiple submitters, no conflicts (2 of 4 stars). 2 submissions from 2 submitters: Likely pathogenic (2). Last evaluated 2024-01-04.

Conditions:
Severe combined immunodeficiency, autosomal recessive, T cell-negative, B cell-negative, NK cell-positive. Also called: SCID, T CELL-NEGATIVE, B CELL-NEGATIVE, NK CELL-POSITIVE; SCID, AR, T-cell negative, B-cell negative, NK cell-positive; Severe combined immunodeficiency due to complete RAG1/2 deficiency. Identifiers: Orphanet 331206, MedGen C1832322, MONDO:0011086, OMIM 601457.
Combined immunodeficiency with skin granulomas. Identifiers: Orphanet 157949, MedGen C2673536, MONDO:0009306, OMIM 233650.
Histiocytic medullary reticulosis. Also called: SEVERE COMBINED IMMUNODEFICIENCY WITH HYPEREOSINOPHILIA; Omenn syndrome. Identifiers: Orphanet 39041, MedGen C2700553, MONDO:0011338, OMIM 603554.

Allele frequency attached by ClinVar (database versions not stated): gnomAD exomes below 0.00001.
gnomAD v4.1: 3 of 1,614,178 alleles (0.00019%); highest among the groups gnomAD compares: Non-Finnish European, 0.00025%; no homozygotes.

Submissions (2):

Fulgent Genetics
Classification: Likely pathogenic for Combined immunodeficiency with skin granulomas; Severe combined immunodeficiency, autosomal recessive, T cell-negative, B cell-negative, NK cell-positive; Histiocytic medullary reticulosis. Last evaluated: 2024-01-04. Review status: criteria provided, single submitter. Criteria: ACMG Guidelines, 2015. Collection method: clinical testing. Allele origin: germline.

Labcorp Genetics (formerly Invitae), Labcorp
Classification: Likely pathogenic for Combined immunodeficiency with skin granulomas; Severe combined immunodeficiency, autosomal recessive, T cell-negative, B cell-negative, NK cell-positive. Last evaluated: 2022-06-26. Review status: criteria provided, single submitter. Criteria: Invitae Variant Classification Sherloc (09022015). Collection method: clinical testing. Allele origin: germline.
Comment: In summary, the currently available evidence indicates that the variant is pathogenic, but additional data are needed to prove that conclusively. Therefore, this variant has been classified as Likely Pathogenic. Advanced modeling of protein sequence and biophysical properties (such as structural, functional, and spatial information, amino acid conservation, physicochemical variation, residue mobility, and thermodynamic stability) performed at Invitae indicates that this missense variant is expected to disrupt RAG2 protein function. This missense change has been observed in individuals with severe combined immunodeficiency (PMID: 20603253, 28769923). This variant is not present in population databases (gnomAD no frequency). This sequence change replaces isoleucine, which is neutral and non-polar, with asparagine, which is neutral and polar, at codon 218 of the RAG2 protein (p.Ile218Asn).

Literature cited by the submitters: PubMed 20603253 (cited by Labcorp Genetics (formerly Invitae), Labcorp); PubMed 28769923 (cited by Labcorp Genetics (formerly Invitae), Labcorp).